The following is an entry in ClinVar:

ClinVar aggregate classification (germline): Conflicting classifications of pathogenicity. Review status: criteria provided, conflicting classifications (1 of 4 stars). 2 submissions from 2 submitters: Likely pathogenic (1); Uncertain significance (1). Last evaluated 2024-06-04.

Conditions:
Hereditary cancer-predisposing syndrome. Also called: Tumor predisposition; Hereditary neoplastic syndrome; Neoplastic Syndromes, Hereditary; Hereditary Cancer Syndrome. Identifiers: Orphanet 140162, MedGen C0027672, MeSH D009386, MONDO:0015356.

Submissions (2):

Ambry Genetics
Classification: Likely pathogenic for Hereditary cancer-predisposing syndrome. Last evaluated: 2024-06-04. Review status: criteria provided, single submitter. Criteria: Ambry Variant Classification Scheme 2023. Collection method: clinical testing. Allele origin: germline.
Comment: The p.D319G variant (also known as c.956A>G), located in coding exon 7 of the FH gene, results from an A to G substitution at nucleotide position 956. The aspartic acid at codon 319 is replaced by glycine, an amino acid with similar properties. This variant is considered to be rare based on population cohorts in the Genome Aggregation Database (gnomAD). This amino acid position is highly conserved in available vertebrate species. In addition, this alteration is predicted to be deleterious by in silico analysis. Based on the majority of available evidence to date, this variant is likely to be pathogenic.

Labcorp Genetics (formerly Invitae), Labcorp
Classification: Uncertain significance. Last evaluated: 2022-10-27. Review status: criteria provided, single submitter. Criteria: Invitae Variant Classification Sherloc (09022015). Collection method: clinical testing. Allele origin: germline.
Comment: This variant has not been reported in the literature in individuals affected with FH-related conditions. This variant is not present in population databases (gnomAD no frequency). This sequence change replaces aspartic acid, which is acidic and polar, with glycine, which is neutral and non-polar, at codon 319 of the FH protein (p.Asp319Gly). In summary, the available evidence is currently insufficient to determine the role of this variant in disease. Therefore, it has been classified as a Variant of Uncertain Significance. Advanced modeling of protein sequence and biophysical properties (such as structural, functional, and spatial information, amino acid conservation, physicochemical variation, residue mobility, and thermodynamic stability) performed at Invitae indicates that this missense variant is expected to disrupt FH protein function. ClinVar contains an entry for this variant (Variation ID: 952669).

Literature cited by the submitters: PubMed 31636096 (cited by Ambry Genetics).

NM_000143.4(FH):c.956A>G (p.Asp319Gly)

Gene: FH (fumarate hydratase; minus strand). Cytogenetic location: 1q43.
Variant type: single nucleotide variant.
Coding change: c.956A>G on transcript NM_000143.4 (MANE Select); coding-DNA position 956, A replaced by G.
Protein change: p.Asp319Gly; replaces aspartic acid 319 with glycine.
Molecular consequence: missense variant.
Genome position (GRCh38, 1-based): chr1:241,504,194, T>C on the plus strand (A>G on the coding strand, the complement: FH is on the minus strand). VCF-style: chr1-241504194-T-C. GRCh37 (hg19) VCF-style: chr1-241667494-T-C.
Other names: short protein forms D319G.
Identifiers: ClinVar variation 952669 (VCV000952669.11), dbSNP rs1659855240, ClinGen allele CA345438336.